The following is an entry in ClinVar:

ClinVar aggregate classification (germline): Benign/Likely benign. Review status: criteria provided, multiple submitters, no conflicts (2 of 4 stars). 4 submissions from 4 submitters: Benign (1); Likely benign (3). Last evaluated 2024-05-16.

Conditions:
Hereditary cancer-predisposing syndrome. Also called: Hereditary Cancer Syndrome; Neoplastic Syndromes, Hereditary; Tumor predisposition; Hereditary neoplastic syndrome. Identifiers: Orphanet 140162, MedGen C0027672, MeSH D009386, MONDO:0015356.
Ataxia-telangiectasia syndrome (AT). Also called: Cerebello-oculocutaneous telangiectasia; Immunodeficiency with ataxia telangiectasia; Ataxia-telangiectasia, complementation group E; LOUIS-BAR SYNDROME; Ataxia-telangiectasia, complementation group D; AT, COMPLEMENTATION GROUP C. Identifiers: Orphanet 100, MedGen C0004135, MONDO:0008840, OMIM 208900.
Familial cancer of breast. Also called: Hereditary breast cancer; BREAST CANCER, FAMILIAL; hereditary breast carcinoma. Identifiers: Orphanet 227535, MedGen C0346153, MONDO:0016419, OMIM 114480. Disease mechanism: loss of function.

Allele frequency attached by ClinVar (database versions not stated): gnomAD exomes below 0.00001.
gnomAD v4.1: 1 of 1,612,782 alleles (0.000062%); highest among the groups gnomAD compares: African/African-American, 0.0013%; no homozygotes.

Submissions (4):

Myriad Genetics, Inc.
Classification: Benign for Familial cancer of breast. Last evaluated: 2024-05-16. Review status: criteria provided, single submitter. Criteria: Myriad Autosomal Dominant, Autosomal Recessive and X-Linked Classification Criteria (2023). Collection method: clinical testing. Allele origin: unknown.
Comment: This variant is considered benign. This variant is a silent/synonymous amino acid change and it is not expected to impact splicing.

Labcorp Genetics (formerly Invitae), Labcorp
Classification: Likely benign for Ataxia-telangiectasia syndrome. Last evaluated: 2024-03-06. Review status: criteria provided, single submitter. Criteria: Invitae Variant Classification Sherloc (09022015). Collection method: clinical testing. Allele origin: germline.

Blueprint Genetics
Classification: Likely benign. Last evaluated: 2021-10-13. Review status: criteria provided, single submitter. Criteria: ACMG Guidelines, 2015. Collection method: clinical testing. Allele origin: germline.

Ambry Genetics
Classification: Likely benign for Hereditary cancer-predisposing syndrome. Last evaluated: 2020-05-29. Review status: criteria provided, single submitter. Criteria: Ambry Variant Classification Scheme 2023. Collection method: clinical testing. Allele origin: germline.

NM_000051.4(ATM):c.4185T>C (p.Asn1395=)

Gene: ATM (ATM serine/threonine kinase; plus strand). Cytogenetic location: 11q22.3.
Variant type: single nucleotide variant.
Coding change: c.4185T>C on transcript NM_000051.4 (MANE Select); coding-DNA position 4185, T replaced by C.
Protein change: p.Asn1395=; no amino-acid change (asparagine 1395 retained).
Molecular consequence: synonymous variant.
Genome position (GRCh38, 1-based): chr11:108,289,052, T>C. VCF-style: chr11-108289052-T-C. GRCh37 (hg19) VCF-style: chr11-108159779-T-C.
Other names: c.4185T>C, p.Asn1395= (NM_001351834.2).
Identifiers: ClinVar variation 1081447 (VCV001081447.13), dbSNP rs2135752553, ClinGen allele CA476673714.